The following is an entry in ClinVar:

ClinVar aggregate classification (germline): Pathogenic. Review status: criteria provided, multiple submitters, no conflicts (2 of 4 stars). 7 submissions from 7 submitters: Pathogenic (7). Last evaluated 2025-11-17.

Conditions:
Retinitis pigmentosa 26 (RP26). Identifiers: Orphanet 791, MedGen C1842127, MONDO:0012024, OMIM 608380.
CERKL-related disorders.
Retinitis pigmentosa (RP). Identifiers: Orphanet 791, MedGen C0035334, MeSH D012174, MONDO:0019200, OMIM 268000. Inheritance: Autosomal dominant, autosomal recessive and X linked inheritance.

Allele frequency attached by ClinVar (database versions not stated): gnomAD exomes 0.00002; gnomAD 0.00005 and 0.00006; TOPMed 0.00009; 1000 Genomes Project 0.00020; 1000 Genomes Project 30x 0.00031.
gnomAD v4.1: 13 of 1,607,260 alleles (0.00081%); highest among the groups gnomAD compares: Admixed American, 0.018%; no homozygotes.

Submissions (7):

Labcorp Genetics (formerly Invitae), Labcorp
Classification: Pathogenic. Last evaluated: 2025-11-17. Review status: criteria provided, single submitter. Criteria: Invitae Variant Classification Sherloc (09022015). Collection method: clinical testing. Allele origin: germline.
Comment: This sequence change creates a premature translational stop signal (p.Glu514*) in the CERKL gene. It is expected to result in an absent or disrupted protein product. Loss-of-function variants in CERKL are known to be pathogenic (PMID: 14681825, 23591405, 24043777). This variant is present in population databases (rs188492864, gnomAD 0.003%). This variant has not been reported in the literature in individuals affected with CERKL-related conditions. ClinVar contains an entry for this variant (Variation ID: 860317). For these reasons, this variant has been classified as Pathogenic.

Natera, Inc.
Classification: Pathogenic for Retinitis Pigmentosa 26. Last evaluated: 2025-11-06. Review status: criteria provided, single submitter. Criteria: Natera Variant Classification Schema (03/2026). Collection method: clinical testing. Allele origin: germline.
Comment: The c.1540G>T variant in CERKL is a nonsense variant predicted to introduce a stop codon at amino acid 514. This variant is expected to result in nonsense mediated decay, truncation, or a dysfunctional protein product. This variant is rare in the general population with a frequency below the threshold expected for the associated phenotype(s). This variant has been observed in one or more individuals affected with the associated recessive disease, as either homozygous or compound heterozygous with a second variant (PMID: 36196406, 32037395). Given the available evidence, this variant is classified as Pathogenic.

Baylor Genetics
Classification: Pathogenic for Retinitis pigmentosa 26. Last evaluated: 2023-11-19. Review status: criteria provided, single submitter. Criteria: ACMG Guidelines, 2015. Collection method: clinical testing. Allele origin: unknown.

Women's Health and Genetics/Laboratory Corporation of America, LabCorp
Classification: Pathogenic for Retinitis pigmentosa. Last evaluated: 2023-03-06. Review status: criteria provided, single submitter. Criteria: LabCorp Variant Classification Summary - May 2015. Collection method: clinical testing. Allele origin: germline.
Comment: Variant summary: CERKL c.1540G>T (p.Glu514X) results in a premature termination codon, predicted to cause a truncation of the encoded protein or absence of the protein due to nonsense mediated decay. The variant allele was found at a frequency of 1.6e-05 in 251004 control chromosomes (gnomAD). c.1540G>T has been reported in the literature in multiple bi-allelic individuals affected with Retinitis Pigmentosa (example: Zampaglione_2020 and Vargas_2022). These data indicate that the variant is very likely to be associated with disease. To our knowledge, no experimental evidence demonstrating an impact on protein function has been reported. Four clinical diagnostic laboratories have submitted clinical-significance assessments for this variant to ClinVar after 2014 and all classified the variant as pathogenic. Based on the evidence outlined above, the variant was classified as pathogenic.

Blueprint Genetics
Classification: Pathogenic for CERKL-related disorders. Last evaluated: 2022-08-23. Review status: criteria provided, single submitter. Criteria: ACMG Guidelines, 2015. Collection method: clinical testing. Allele origin: germline. Affected: yes. Observed: 5 variant alleles.

GeneDx
Classification: Pathogenic. Last evaluated: 2022-06-01. Review status: criteria provided, single submitter. Criteria: GeneDx Variant Classification Process June 2021. Collection method: clinical testing. Allele origin: germline. Affected: yes.
Comment: Nonsense variant predicted to result in protein truncation or nonsense mediated decay in a gene for which loss of function is a known mechanism of disease; Identified in an individual with retinal degeneration in the published literature who also harbored a second pathogenic variant, although the phase of these two variants was not confirmed (Zampaglione et al., 2020); This variant is associated with the following publications: (PMID: 32037395)

Ocular Genomics Institute, Massachusetts Eye and Ear
Classification: Pathogenic for Retinitis pigmentosa 26. Last evaluated: 2021-04-08. Review status: criteria provided, single submitter. Criteria: ACMG Guidelines, 2015. Collection method: research. Allele origin: germline. Affected: yes.
Comment: Through a review of available evidence we were able to apply the following criteria: PVS1, PM2, PP3. Based on this evidence we have classified this variant as Pathogenic.

Literature cited by the submitters: PubMed 14681825 (cited by Labcorp Genetics (formerly Invitae), Labcorp); PubMed 23591405 (cited by Labcorp Genetics (formerly Invitae), Labcorp); PubMed 24043777 (cited by Labcorp Genetics (formerly Invitae), Labcorp); PubMed 36196406 (cited by Natera, Inc.); PubMed 32037395 (cited by Natera, Inc. and Women's Health and Genetics/Laboratory Corporation of America, LabCorp); PubMed 35318874 (cited by Women's Health and Genetics/Laboratory Corporation of America, LabCorp).

NM_201548.5(CERKL):c.1462G>T (p.Glu488Ter)

Gene: CERKL (CERK like autophagy regulator; minus strand). Cytogenetic location: 2q31.3.
Variant type: single nucleotide variant.
Coding change: c.1462G>T on transcript NM_201548.5 (MANE Select); coding-DNA position 1462, G replaced by T.
Protein change: p.Glu488Ter; replaces glutamic acid 488 with a stop codon.
Molecular consequence: nonsense. On other transcripts: non-coding transcript variant (2).
Genome position (GRCh38, 1-based): chr2:181,539,168, C>A on the plus strand (G>T on the coding strand, the complement: CERKL is on the minus strand). VCF-style: chr2-181539168-C-A. GRCh37 (hg19) VCF-style: chr2-182403895-C-A.
Other names: c.1540G>T, p.Glu514Ter (NM_001030311.3); c.1123G>T, p.Glu375Ter (NM_001030312.3); c.1255G>T, p.Glu419Ter (NM_001030313.3); c.1408G>T, p.Glu470Ter (NM_001160277.2); short protein forms E419*, E488*, E514*, E470*, E375*.
Identifiers: ClinVar variation 860317 (VCV000860317.15), dbSNP rs188492864, ClinGen allele CA61572402.